The following is an entry in ClinVar:

ClinVar aggregate classification (germline): Pathogenic (1 of 4 stars; one submission).

Submission:

Cytogenetics Laboratory, University of Washington
Classification: Pathogenic. Last evaluated: 2015-05-11. Review status: criteria provided, single submitter. Criteria: UW Cytogenetics and Genomics Laboratory Policy on CNV Interpretation (5/6/2015). Collection method: clinical testing. Allele origin: unknown. Affected: yes. Observed: 1 variant allele.

Literature cited by the submitters: PubMed 22433391; PubMed 16488200; PubMed 22407767.

GRCh37/hg19 20p13(chr20:71023-2129746)x1

Genes: RBCK1 (RANBP2-type and C3HC4-type zinc finger containing 1; plus strand), NSFL1C (NSFL1 cofactor; minus strand), PDYN (prodynorphin; minus strand), PSMF1 (proteasome inhibitor subunit 1; plus strand), RAD21L1 (RAD21 cohesin complex component like 1; plus strand) and 31 more. Cytogenetic location: 20p13.
Variant type: copy number loss.
Change: copy number 1 (one copy instead of two) of chr20:71,023-2,129,746 (2.06 Mb, GRCh37 coordinates, 1-based), cytogenetic band 20p13.
Identifiers: ClinVar variation 202236 (VCV000202236.4).